The following is an entry in ClinVar:

ClinVar aggregate classification (germline): Likely benign (1 of 4 stars; one submission).

Allele frequency attached by ClinVar (database versions not stated): gnomAD exomes below 0.00001 and 0.00001; TOPMed below 0.00001; ExAC 0.00001.
gnomAD v4.1: 11 of 1,613,828 alleles (0.00068%); highest among the groups gnomAD compares: South Asian, 0.0022%; no homozygotes.

Submission:

Laboratory for Molecular Medicine, Mass General Brigham Personalized Medicine
Classification: Likely benign. Last evaluated: 2015-07-26. Review status: criteria provided, single submitter. Criteria: LMM Criteria. Collection method: clinical testing. Allele origin: germline. Observed: 1 variant allele.
Comment: p.Ala1996Ala in exon 46 of CDH23: This variant is not expected to have clinical significance because it does not alter an amino acid residue and is not located within the splice consensus sequence. It has been identified in 1/65982 European chromosomes by the Exome Aggregation Consortium (ExAC; dbSNP rs751701083).

NM_022124.6(CDH23):c.5988C>T (p.Ala1996=)

Gene: CDH23 (cadherin related 23; plus strand). Cytogenetic location: 10q22.1.
Variant type: single nucleotide variant.
Coding change: c.5988C>T on transcript NM_022124.6 (MANE Select); coding-DNA position 5988, C replaced by T.
Protein change: p.Ala1996=; no amino-acid change (alanine 1996 retained).
Molecular consequence: synonymous variant.
Genome position (GRCh38, 1-based): chr10:71,790,352, C>T. VCF-style: chr10-71790352-C-T. GRCh37 (hg19) VCF-style: chr10-73550109-C-T.
Identifiers: ClinVar variation 227231 (VCV000227231.4), dbSNP rs751701083, ClinGen allele CA5545956.